The following is an entry in ClinVar:

ClinVar aggregate classification (germline): Likely benign (0 of 4 stars; one submission).

Conditions:
YRDC-related disorder. Also called: YRDC-related condition.

Allele frequency attached by ClinVar (database versions not stated): gnomAD 0.00001; TOPMed 0.00001.

Submission:

PreventionGenetics, part of Exact Sciences
Classification: Likely benign for YRDC-related condition. Last evaluated: 2023-12-18. Review status: no assertion criteria provided. Collection method: clinical testing. Allele origin: germline.
Comment: This variant is classified as likely benign based on ACMG/AMP sequence variant interpretation guidelines (Richards et al. 2015 PMID: 25741868, with internal and published modifications).

NM_024640.4(YRDC):c.294C>T (p.Ser98=)

Genes: C1orf122 (chromosome 1 open reading frame 122; plus strand), YRDC (yrdC N6-threonylcarbamoyltransferase domain containing; minus strand), LOC129930167 (ATAC-STARR-seq lymphoblastoid silent region 680; plus strand). Cytogenetic location: 1p34.3.
Variant type: single nucleotide variant.
Coding change: c.294C>T on transcript NM_024640.4 (MANE Select); coding-DNA position 294, C replaced by T.
Protein change: p.Ser98=; no amino-acid change (serine 98 retained).
Molecular consequence: synonymous variant. On other transcripts: 5 prime UTR variant (2).
Genome position (GRCh38, 1-based): chr1:37,807,887, G>A on the plus strand (C>T on the coding strand, the complement: YRDC is on the minus strand). VCF-style: chr1-37807887-G-A. GRCh37 (hg19) VCF-style: chr1-38273559-G-A.
Other names: c.-574G>A (NM_001142726.2); c.-518G>A (NM_198446.3).
Identifiers: ClinVar variation 3029053 (VCV003029053.2), dbSNP rs1472098775, ClinGen allele CA417268436.